The following is an entry in ClinVar:

ClinVar aggregate classification (germline): Uncertain significance. Review status: criteria provided, multiple submitters, no conflicts (2 of 4 stars). 2 submissions from 2 submitters: Uncertain significance (2). Last evaluated 2025-07-31.

Conditions:
Hereditary cancer-predisposing syndrome. Also called: Hereditary neoplastic syndrome; Neoplastic Syndromes, Hereditary; Tumor predisposition; Hereditary Cancer Syndrome. Identifiers: Orphanet 140162, MedGen C0027672, MeSH D009386, MONDO:0015356.

Submissions (2):

GeneDx
Classification: Uncertain significance. Last evaluated: 2025-07-31. Review status: criteria provided, single submitter. Criteria: GeneDx Variant Classification Process June 2021. Collection method: clinical testing. Allele origin: germline.
Comment: Not observed at significant frequency in large population cohorts (gnomAD); In silico analysis supports a deleterious effect on protein structure/function; Has not been previously published as pathogenic or benign to our knowledge

Ambry Genetics
Classification: Uncertain significance for Hereditary cancer-predisposing syndrome. Last evaluated: 2024-06-11. Review status: criteria provided, single submitter. Criteria: Ambry Variant Classification Scheme 2023. Collection method: clinical testing. Allele origin: germline.
Comment: The c.1750_1752delGCAinsACG variant (also known as p.A584T), located in coding exon 13 of the SDHA gene, results from an in-frame deletion of GCA and insertion of ACG at nucleotide positions 1750 to 1752. This results in the substitution of the alanine residue for a threonine residue at codon 584, an amino acid with similar properties. This amino acid position is well conserved in available vertebrate species. In addition, this alteration is predicted to be neutral by in silico analysis (Choi Y et al. PLoS ONE. 2012; 7(10):e46688). Based on the available evidence, the clinical significance of this variant remains unclear.

NM_004168.4(SDHA):c.1750_1752delinsACG (p.Ala584Thr)

Gene: SDHA (succinate dehydrogenase complex flavoprotein subunit A; plus strand). Cytogenetic location: 5p15.33.
Variant type: Indel.
Coding change: c.1750_1752delinsACG on transcript NM_004168.4 (MANE Select); coding-DNA positions 1750 to 1752, GCA replaced by ACG.
Protein change: p.Ala584Thr; replaces alanine 584 with threonine.
Molecular consequence: missense variant. On other transcripts: intron variant (1).
Genome position (GRCh38, 1-based): chr5:251,424-251,426, GCA replaced by ACG. VCF-style: chr5-251424-GCA-ACG. GRCh37 (hg19) VCF-style: chr5-251539-GCA-ACG.
Other names: c.1750_1752delGCAinsACG (NM_004168.2); c.1750_1752delinsACG (NM_004168.2); c.1606_1608delinsACG, p.Ala536Thr (NM_001294332.2); c.1552-2969_1552-2967delinsACG (NM_001330758.2); short protein forms A536T, A584T.
Identifiers: ClinVar variation 1779385 (VCV001779385.5), dbSNP rs2477458628, ClinGen allele CA2580073126.